The following is an entry in ClinVar:

NM_001291415.2(KDM6A):c.3045G>A (p.Pro1015=)

Gene: KDM6A (lysine demethylase 6A; plus strand). Cytogenetic location: Xp11.3.
Variant type: single nucleotide variant.
Coding change: c.3045G>A on transcript NM_001291415.2 (MANE Select); coding-DNA position 3045, G replaced by A.
Protein change: p.Pro1015=; no amino-acid change (proline 1015 retained).
Molecular consequence: synonymous variant. On other transcripts: non-coding transcript variant (1).
Genome position (GRCh38, 1-based): chrX:45,078,456, G>A. VCF-style: chrX-45078456-G-A. GRCh37 (hg19) VCF-style: chrX-44937701-G-A.
Other names: c.2910G>A, p.Pro970= (NM_001291416.2); c.2754G>A, p.Pro918= (NM_001291417.2); c.2652G>A, p.Pro884= (NM_001291418.2); c.2001G>A, p.Pro667= (NM_001291421.2); c.2889G>A, p.Pro963= (NM_021140.4); c.2889G>A (NM_021140.3).
Identifiers: ClinVar variation 1620807 (VCV001620807.11), dbSNP rs760529172, ClinGen allele CA10392598.

ClinVar aggregate classification (germline): Likely benign. Review status: criteria provided, multiple submitters, no conflicts (2 of 4 stars). 3 submissions from 3 submitters: Likely benign (2). 1 of the submissions does not count toward it. Last evaluated 2025-11-27.

Conditions:
Kabuki syndrome 2 (KABUK2). Also called: KDM6A-Related Kabuki Syndrome. Identifiers: Orphanet 2322, MedGen C3275495, MONDO:0010465, OMIM 300867.
KDM6A-related disorder. Also called: KDM6A-related condition.

Allele frequency attached by ClinVar (database versions not stated): gnomAD exomes 0.00001 and 0.00002; ExAC 0.00002; gnomAD 0.00002; TOPMed 0.00002.
gnomAD v4.1: 11 of 1,207,837 alleles (0.00091%); highest among the groups gnomAD compares: African/African-American, 0.0053%; no homozygotes.

Submissions (3):

Labcorp Genetics (formerly Invitae), Labcorp
Classification: Likely benign for Kabuki syndrome 2. Last evaluated: 2025-11-27. Review status: criteria provided, single submitter. Criteria: Invitae Variant Classification Sherloc (09022015). Collection method: clinical testing. Allele origin: germline.

Blueprint Genetics
Classification: Likely benign. Last evaluated: 2024-03-02. Review status: criteria provided, single submitter. Criteria: ACMG Guidelines, 2015. Collection method: clinical testing. Allele origin: germline.

PreventionGenetics, part of Exact Sciences
Classification: Likely benign for KDM6A-related condition. Last evaluated: 2020-01-03. Review status: no assertion criteria provided. Collection method: clinical testing. Allele origin: germline. Not counted in ClinVar's aggregate classification.
Comment: This variant is classified as likely benign based on ACMG/AMP sequence variant interpretation guidelines (Richards et al. 2015 PMID: 25741868, with internal and published modifications).